The following is an entry in ClinVar:

ClinVar aggregate classification (germline): Likely benign. Review status: criteria provided, multiple submitters, no conflicts (2 of 4 stars). 5 submissions from 5 submitters: Likely benign (5). Last evaluated 2026-01-14.

Conditions:
Autoimmune interstitial lung disease-arthritis syndrome. Also called: Autoinflammation and autoimmunity, systemic, with immune dysregulation. Identifiers: Orphanet 444092, MedGen C5975714, MONDO:0014629.
COPA-related disorder. Also called: COPA-related condition.

Allele frequency attached by ClinVar (database versions not stated): TOPMed 0.00012.
gnomAD v4.1: 122 of 1,613,942 alleles (0.0076%); highest among the groups gnomAD compares: Middle Eastern, 0.066%; no homozygotes.

Submissions (5):

Labcorp Genetics (formerly Invitae), Labcorp
Classification: Likely benign for Autoimmune interstitial lung disease-arthritis syndrome. Last evaluated: 2026-01-14. Review status: criteria provided, single submitter. Criteria: Invitae Variant Classification Sherloc (09022015). Collection method: clinical testing. Allele origin: germline.

PreventionGenetics, part of Exact Sciences
Classification: Likely benign for COPA-related condition. Last evaluated: 2025-09-28. Review status: criteria provided, single submitter. Criteria: ACMG Guidelines, 2015. Collection method: clinical testing. Allele origin: germline.
Comment: This variant is classified as likely benign based on ACMG/AMP sequence variant interpretation guidelines (Richards et al. 2015 PMID: 25741868, with internal and published modifications).

Blueprint Genetics
Classification: Likely benign. Last evaluated: 2024-07-17. Review status: criteria provided, single submitter. Criteria: ACMG Guidelines, 2015. Collection method: clinical testing. Allele origin: germline.

Dubai Health Genomic Medicine Center, Dubai Health
Classification: Likely benign. Last evaluated: 2019-12-22. Review status: criteria provided, single submitter. Criteria: ACMG Guidelines, 2015. Collection method: clinical testing. Allele origin: germline. Affected: yes.

Breakthrough Genomics
Classification: Likely benign. Review status: criteria provided, single submitter. Criteria: ACMG Guidelines, 2015. Collection method: not provided. Allele origin: germline. Inheritance: Autosomal dominant inheritance. Affected: yes.

NM_004371.4(COPA):c.3248G>T (p.Arg1083Leu)

Gene: COPA (coat protein complex I subunit alpha; minus strand). Cytogenetic location: 1q23.2.
Variant type: single nucleotide variant.
Coding change: c.3248G>T on transcript NM_004371.4 (MANE Select); coding-DNA position 3248, G replaced by T.
Protein change: p.Arg1083Leu; replaces arginine 1083 with leucine.
Molecular consequence: missense variant.
Genome position (GRCh38, 1-based): chr1:160,291,829, C>A on the plus strand (G>T on the coding strand, the complement: COPA is on the minus strand). VCF-style: chr1-160291829-C-A. GRCh37 (hg19) VCF-style: chr1-160261619-C-A.
Other names: c.3275G>T, p.Arg1092Leu (NM_001098398.2); short protein forms R1083L, R1092L.
Identifiers: ClinVar variation 1095653 (VCV001095653.14), dbSNP rs141211632, ClinGen allele CA1197666.